The following is an entry in ClinVar:

ClinVar aggregate classification (germline): Uncertain significance. Review status: criteria provided, multiple submitters, no conflicts (2 of 4 stars). 2 submissions from 2 submitters: Uncertain significance (2). Last evaluated 2026-07-08.

Conditions:
PROM1-related disorder. Also called: PROM1-related condition; PROM1-related disorders.

Allele frequency attached by ClinVar (database versions not stated): gnomAD exomes below 0.00001.

Submissions (2):

PreventionGenetics, part of Exact Sciences
Classification: Uncertain significance for PROM1-related condition. Last evaluated: 2026-07-08. Review status: criteria provided, single submitter. Criteria: ACMG Guidelines, 2015. Collection method: clinical testing. Allele origin: germline.
Comment: The PROM1 c.1142G>A variant is predicted to result in the amino acid substitution p.Gly381Asp. To our knowledge, this variant has not been reported in the literature. This variant is reported in 0.0059% of alleles in individuals of Latino descent in gnomAD. At this time, the clinical significance of this variant is uncertain due to the absence of conclusive functional and genetic evidence.

Labcorp Genetics (formerly Invitae), Labcorp
Classification: Uncertain significance. Last evaluated: 2025-08-31. Review status: criteria provided, single submitter. Criteria: Invitae Variant Classification Sherloc (09022015). Collection method: clinical testing. Allele origin: germline.
Comment: This sequence change replaces glycine, which is neutral and non-polar, with aspartic acid, which is acidic and polar, at codon 381 of the PROM1 protein (p.Gly381Asp). This variant is present in population databases (no rsID available, gnomAD 0.006%). This variant has not been reported in the literature in individuals affected with PROM1-related conditions. ClinVar contains an entry for this variant (Variation ID: 1928743). An algorithm developed to predict the effect of missense changes on protein structure and function outputs the following: PolyPhen-2: "Benign". The aspartic acid amino acid residue is found in multiple mammalian species, which suggests that this missense change does not adversely affect protein function. In summary, the available evidence is currently insufficient to determine the role of this variant in disease. Therefore, it has been classified as a Variant of Uncertain Significance.

NM_006017.3(PROM1):c.1142G>A (p.Gly381Asp)

Gene: PROM1 (prominin 1; minus strand). Cytogenetic location: 4p15.32.
Variant type: single nucleotide variant.
Coding change: c.1142G>A on transcript NM_006017.3 (MANE Select); coding-DNA position 1142, G replaced by A.
Protein change: p.Gly381Asp; replaces glycine 381 with aspartic acid.
Molecular consequence: missense variant.
Genome position (GRCh38, 1-based): chr4:16,009,108, C>T on the plus strand (G>A on the coding strand, the complement: PROM1 is on the minus strand). VCF-style: chr4-16009108-C-T. GRCh37 (hg19) VCF-style: chr4-16010731-C-T.
Other names: c.1142G>A (NM_006017.2); c.1115G>A, p.Gly372Asp (NM_001145847.2, NM_001145848.2, NM_001145851.2 and 4 more transcripts); c.1142G>A, p.Gly381Asp (NM_001145849.2, NM_001145850.2); short protein forms G372D, G381D.
Identifiers: ClinVar variation 1928743 (VCV001928743.6), dbSNP rs1352048199, ClinGen allele CA356437262.
Genomic context (GRCh38, chr4:16,009,108, plus strand): 5'-GGAAGACGCTGAGTTACATTGTCGATATCTGAACCAATGGAATTCAAGACCCTTTTGATA[C>T]CTGAAAACAAAGATACCTTTGTTATGCATTTGCAAACATGGAGGAAATAGAAACTTTGTT-3'
Protein context (NP_006008.1, residues 371-391): VQRQTTTVVA[Gly381Asp]IKRVLNSIGS